The following is an entry in ClinVar:

ClinVar aggregate classification (germline): Pathogenic/Likely pathogenic. Review status: criteria provided, multiple submitters, no conflicts (2 of 4 stars). 3 submissions from 3 submitters: Pathogenic (2); Likely pathogenic (1). Last evaluated 2025-12-28.

Conditions:
ACAN-related disorder. Also called: ACAN-related condition; ACAN-related disorders.

Allele frequency attached by ClinVar (database versions not stated): TOPMed below 0.00001; gnomAD 0.00001.
gnomAD v4.1: 1 of 1,613,060 alleles (0.000062%); highest among the groups gnomAD compares: Non-Finnish European, 0.000085%; no homozygotes.

Submissions (3):

PreventionGenetics, part of Exact Sciences
Classification: Likely pathogenic for ACAN-related condition. Last evaluated: 2025-12-28. Review status: criteria provided, single submitter. Criteria: ACMG Guidelines, 2015. Collection method: clinical testing. Allele origin: germline.
Comment: The ACAN c.6912C>A variant is predicted to result in premature protein termination (p.Cys2304*). To our knowledge, this variant has not been reported in the literature or in a large population database, indicating this variant is rare. Nonsense variants in ACAN are expected to be pathogenic for autosomal dominant idiopathic short stature with or without additional features (Hauer et al. 2017. PubMed ID: 28939912). This variant is interpreted as likely pathogenic.

Labcorp Genetics (formerly Invitae), Labcorp
Classification: Pathogenic. Last evaluated: 2025-12-03. Review status: criteria provided, single submitter. Criteria: Invitae Variant Classification Sherloc (09022015). Collection method: clinical testing. Allele origin: germline.
Comment: This sequence change creates a premature translational stop signal (p.Cys2304*) in the ACAN gene. It is expected to result in an absent or disrupted protein product. Loss-of-function variants in ACAN are known to be pathogenic (PMID: 16080123, 24762113). This variant is not present in population databases (gnomAD no frequency). This variant has not been reported in the literature in individuals affected with ACAN-related conditions. ClinVar contains an entry for this variant (Variation ID: 1952466). For these reasons, this variant has been classified as Pathogenic.

CeGaT Center for Human Genetics Tuebingen
Classification: Pathogenic. Last evaluated: 2024-01-01. Review status: criteria provided, single submitter. Criteria: CeGaT Center For Human Genetics Tuebingen Variant Classification Criteria Version 2. Collection method: clinical testing. Allele origin: germline. Affected: yes. Observed: 1 variant allele.
Comment: ACAN: PVS1, PM2

Literature cited by the submitters: PubMed 16080123 (cited by Labcorp Genetics (formerly Invitae), Labcorp); PubMed 24762113 (cited by Labcorp Genetics (formerly Invitae), Labcorp).

NM_001369268.1(ACAN):c.6912C>A (p.Cys2304Ter)

Gene: ACAN (aggrecan; plus strand). Cytogenetic location: 15q26.1.
Variant type: single nucleotide variant.
Coding change: c.6912C>A on transcript NM_001369268.1 (MANE Select); coding-DNA position 6912, C replaced by A.
Protein change: p.Cys2304Ter; replaces cysteine 2304 with a stop codon.
Molecular consequence: nonsense. On other transcripts: intron variant (1).
Genome position (GRCh38, 1-based): chr15:88,860,405, C>A. VCF-style: chr15-88860405-C-A. GRCh37 (hg19) VCF-style: chr15-89403636-C-A.
Other names: c.6912C>A (NM_013227.3); c.6832+988C>A (NM_001135.4); c.6912C>A, p.Cys2304Ter (NM_013227.4); short protein forms C2304*.
Identifiers: ClinVar variation 1952466 (VCV001952466.29), dbSNP rs1489993778, ClinGen allele CA393728250.